The following is an entry in ClinVar:

ClinVar aggregate classification (germline): Uncertain significance. Review status: criteria provided, multiple submitters, no conflicts (2 of 4 stars). 4 submissions from 4 submitters: Uncertain significance (4). Last evaluated 2024-08-15.

Conditions:
Imerslund-Grasbeck syndrome type 1 (IGS1). Also called: Imerslund-Gräsbeck syndrome 1; MEGALOBLASTIC ANEMIA, 1; Megaloblastic anemia 1, Finnish type. Identifiers: MedGen C4016819, MONDO:0100156, OMIM 261100.
Proteinuria, chronic benign. Identifiers: MedGen C5394384, MONDO:0030042, OMIM 618884.
Imerslund-Grasbeck syndrome. Also called: Megaloblastic anemia due to inborn errors of metabolism; ENTEROCYTE COBALAMIN MALABSORPTION; ENTEROCYTE INTRINSIC FACTOR RECEPTOR, DEFECT OF; PERNICIOUS ANEMIA, JUVENILE, DUE TO SELECTIVE INTESTINAL MALABSORPTION OF VITAMIN B12, WITH PROTEINURIA; Imerslund-Gräsbeck syndrome. Identifiers: Orphanet 35858, MedGen C4551825, MONDO:0009853.

Allele frequency attached by ClinVar (database versions not stated): gnomAD exomes 0.00008; gnomAD 0.00029 and 0.00032; TOPMed 0.00029; ESP Exome Variant Server 0.00031; 1000 Genomes Project 30x 0.00047; 1000 Genomes Project 0.00060.
gnomAD v4.1: 109 of 1,614,146 alleles (0.0068%); highest among the groups gnomAD compares: African/African-American, 0.12%; no homozygotes.

Submissions (4):

Blueprint Genetics
Classification: Uncertain significance. Last evaluated: 2024-08-15. Review status: criteria provided, single submitter. Criteria: ACMG Guidelines, 2015. Collection method: clinical testing. Allele origin: germline.

Fulgent Genetics
Classification: Uncertain significance for Imerslund-Grasbeck syndrome type 1; Proteinuria, chronic benign. Last evaluated: 2024-01-18. Review status: criteria provided, single submitter. Criteria: ACMG Guidelines, 2015. Collection method: clinical testing. Allele origin: germline.

Labcorp Genetics (formerly Invitae), Labcorp
Classification: Uncertain significance for Imerslund-Grasbeck syndrome. Last evaluated: 2022-07-11. Review status: criteria provided, single submitter. Criteria: Invitae Variant Classification Sherloc (09022015). Collection method: clinical testing. Allele origin: germline.
Comment: ClinVar contains an entry for this variant (Variation ID: 373457). Algorithms developed to predict the effect of missense changes on protein structure and function are either unavailable or do not agree on the potential impact of this missense change (SIFT: "Deleterious"; PolyPhen-2: "Probably Damaging"; Align-GVGD: "Class C15"). In summary, the available evidence is currently insufficient to determine the role of this variant in disease. Therefore, it has been classified as a Variant of Uncertain Significance. This variant has not been reported in the literature in individuals affected with CUBN-related conditions. This sequence change replaces serine, which is neutral and polar, with cysteine, which is neutral and slightly polar, at codon 1459 of the CUBN protein (p.Ser1459Cys). This variant is present in population databases (rs138022214, gnomAD 0.1%).

GeneDx
Classification: Uncertain significance. Last evaluated: 2016-11-22. Review status: criteria provided, single submitter. Criteria: GeneDx Variant Classification (06012015). Collection method: clinical testing. Allele origin: germline. Affected: yes.
Comment: The S1459C variant in the CUBN gene has not been reported previously as a pathogenic variant, nor as a benign variant, to our knowledge. The S1459C variant was not observed with any significant frequency in approximately 6500 individuals of European and African American ancestry in the NHLBI Exome Sequencing Project, indicating it is not a common benign variant in these populations. The S1459C variant is a non-conservative amino acid substitution, which is likely to impact secondary protein structure as these residues differ in polarity, charge, size and/or other properties. However, this substitution occurs at a position that is not conserved. In silico analysis predicts this variant is probably damaging to the protein structure/function. Therefore, we interpret S1459C as a variant of uncertain significance.

NM_001081.4(CUBN):c.4376C>G (p.Ser1459Cys)

Gene: CUBN (cubilin; minus strand). Cytogenetic location: 10p13.
Variant type: single nucleotide variant.
Coding change: c.4376C>G on transcript NM_001081.4 (MANE Select); coding-DNA position 4376, C replaced by G.
Protein change: p.Ser1459Cys; replaces serine 1459 with cysteine.
Molecular consequence: missense variant.
Genome position (GRCh38, 1-based): chr10:16,984,254, G>C on the plus strand (C>G on the coding strand, the complement: CUBN is on the minus strand). VCF-style: chr10-16984254-G-C. GRCh37 (hg19) VCF-style: chr10-17026253-G-C.
Other names: short protein forms S1459C.
Identifiers: ClinVar variation 373457 (VCV000373457.8), dbSNP rs138022214, ClinGen allele CA5424389.